The following is an entry in ClinVar:

ClinVar aggregate classification (germline): Uncertain significance. Review status: criteria provided, multiple submitters, no conflicts (2 of 4 stars). 3 submissions from 3 submitters: Uncertain significance (2). 1 of the submissions does not count toward it. Last evaluated 2024-10-08.

Conditions:
Autosomal dominant polycystic kidney disease. Identifiers: Orphanet 730, MedGen C0085413, MONDO:0004691.
Polycystic kidney disease, adult type (PKD1). Also called: POLYCYSTIC KIDNEY DISEASE 1 WITH OR WITHOUT POLYCYSTIC LIVER DISEASE; Polycystic Kidney, Autosomal Dominant; POLYCYSTIC KIDNEY DISEASE, ADULT, TYPE I; Polycystic Kidney Disease 1, Autosomal Dominant; Polycystic kidney disease 1; Polycystic kidney disease 1, severe. Identifiers: MedGen C3149841, MONDO:0008263, OMIM 173900.

Submissions (3):

Victorian Clinical Genetics Services, Murdoch Childrens Research Institute
Classification: Uncertain significance for Polycystic kidney disease, adult type. Last evaluated: 2024-10-08. Review status: criteria provided, single submitter. Criteria: ACMG Guidelines, 2015. Collection method: clinical testing. Allele origin: germline. Inheritance: Autosomal dominant inheritance. Affected: yes.
Comment: Based on the classification scheme VCGS_Germline_v1.3.4, this variant is classified as VUS-3A. Following criteria are met: 0102 - Loss of function is a known mechanism of disease in this gene and is associated with polycystic kidney disease 1 (MIM#173900). (I) 0107 - This gene is associated with autosomal dominant disease. Polycystic kidney disease 1 (MIM#173900) is predominantly caused by monoallelic variants, with rare reports of biallelic variants causing disease (OMIM). (I) 0200 - Variant is predicted to result in a missense amino acid change from tryptophan to cysteine. (I) 0251 - This variant is heterozygous. (I) 0301 - Variant is absent from gnomAD (both v2 and v3). (SP) 0501 - Missense variant consistently predicted to be damaging by multiple in silico tools or highly conserved with a major amino acid change. (SP) 0600 - Variant is located in the annotated polycystin domain (DECIPHER). (I) 0705 - No comparable missense variants have previous evidence for pathogenicity. (I) 0809 - Previous evidence of pathogenicity for this variant is inconclusive. This variant has been reported once as a VUS by clinical testing, and once as likely pathogenic in a research setting (ClinVar). (I) 0905 - No published segregation evidence has been identified for this variant. (I) 1007 - No published functional evidence has been identified for this variant. (I) 1208 - Inheritance information for this variant is not currently available in this individual. (I) Legend: (SP) - Supporting pathogenic, (I) - Information, (SB) - Supporting benign

Athena Diagnostics
Classification: Uncertain significance. Last evaluated: 2017-02-21. Review status: criteria provided, single submitter. Criteria: Athena Diagnostics Criteria. Collection method: clinical testing. Allele origin: germline.

Laboratory of Gastroenterology and Hepatology, Radboud University Medical Center
Classification: Likely pathogenic for Autosomal dominant polycystic kidney disease. Last evaluated: 2021-09-01. Review status: no assertion criteria provided. Collection method: research. Allele origin: germline. Affected: yes. Not counted in ClinVar's aggregate classification.

NM_001009944.3(PKD1):c.11172G>C (p.Trp3724Cys)

Genes: PKD1 (polycystin 1, transient receptor potential channel interacting; minus strand), PKD1-AS1 (PKD1 antisense RNA 1; plus strand). Cytogenetic location: 16p13.3.
Variant type: single nucleotide variant.
Coding change: c.11172G>C on transcript NM_001009944.3 (MANE Select); coding-DNA position 11172, G replaced by C.
Protein change: p.Trp3724Cys; replaces tryptophan 3724 with cysteine.
Molecular consequence: missense variant.
Genome position (GRCh38, 1-based): chr16:2,092,577, C>G on the plus strand (G>C on the coding strand, the complement: PKD1 is on the minus strand). VCF-style: chr16-2092577-C-G. GRCh37 (hg19) VCF-style: chr16-2142578-C-G.
Other names: c.11169G>C, p.Trp3723Cys (NM_000296.4); c.11172G>C (NM_001009944.2); short protein forms W3723C, W3724C.
Identifiers: ClinVar variation 447948 (VCV000447948.31), dbSNP rs866331895, ClinGen allele CA394336481.
Genomic context (GRCh38, chr16:2,092,577, plus strand): 5'-CAGCTCTGGGCTGGACTGGTTCCCGTGGACGTAGGGCAGCAGCACGTGGGCCATCCATGG[C>G]CAGAGCTCCTCAGACCTGCCACAGCATCAGTCACACGCTCCAGCCCCTACTGCCCCATGC-3'
Protein context (NP_001009944.3, residues 3714-3734): FLAITRSEEL[Trp3724Cys]PWMAHVLLPY